The following is an entry in ClinVar:

ClinVar aggregate classification (germline): Likely pathogenic (1 of 4 stars; one submission).

Submission:

Labcorp Genetics (formerly Invitae), Labcorp
Classification: Likely pathogenic. Last evaluated: 2019-08-19. Review status: criteria provided, single submitter. Criteria: Invitae Variant Classification Sherloc (09022015). Collection method: clinical testing. Allele origin: germline.
Comment: This variant is not present in population databases (ExAC no frequency). This sequence change affects a donor splice site in intron 10 of the LAMA3 gene. It is expected to disrupt RNA splicing and likely results in an absent or disrupted protein product. This variant has not been reported in the literature in individuals with LAMA3-related conditions. In summary, the currently available evidence indicates that the variant is pathogenic, but additional data are needed to prove that conclusively. Therefore, this variant has been classified as Likely Pathogenic. Donor and acceptor splice site variants typically lead to a loss of protein function (PMID: 16199547), and loss-of-function variants in LAMA3 are known to be pathogenic (PMID: 10366601, 11810295, 12915477, 16473856, 17362460, 23869449, 28087116). Algorithms developed to predict the effect of sequence changes on RNA splicing suggest that this variant may disrupt the consensus splice site, but this prediction has not been confirmed by published transcriptional studies.

Literature cited by the submitters: PubMed 16199547; PubMed 10366601; PubMed 11810295; PubMed 12915477; PubMed 16473856; PubMed 17362460; PubMed 23869449; PubMed 28087116.

NM_198129.4(LAMA3):c.6004+2T>C

Gene: LAMA3 (laminin subunit alpha 3; plus strand). Cytogenetic location: 18q11.2.
Variant type: single nucleotide variant.
Coding change: c.6004+2T>C on transcript NM_198129.4 (MANE Select); the canonical splice donor site of the intron after coding-DNA position 6004, T replaced by C.
Molecular consequence: splice donor variant. On other transcripts: intron variant (2).
Genome position (GRCh38, 1-based): chr18:23,899,457, T>C. VCF-style: chr18-23899457-T-C. GRCh37 (hg19) VCF-style: chr18-21479421-T-C.
Other names: c.5836+392T>C (NM_001127717.4); c.1177+2T>C (NM_000227.6); c.1009+392T>C (NM_001127718.4).
Identifiers: ClinVar variation 955174 (VCV000955174.8), dbSNP rs2080993755, ClinGen allele CA402047503.